The following is an entry in ClinVar:

ClinVar aggregate classification (germline): Uncertain significance (1 of 4 stars; one submission).

Conditions:
Inborn genetic diseases. Identifiers: MedGen C0950123, MeSH D030342.

Submission:

Ambry Genetics
Classification: Uncertain significance for Inborn genetic diseases. Last evaluated: 2025-11-26. Review status: criteria provided, single submitter. Criteria: Ambry Variant Classification Scheme 2023. Collection method: clinical testing. Allele origin: germline.
Comment: The p.R1644P variant (also known as c.4931G>C), located in coding exon 20 of the FANCM gene, results from a G to C substitution at nucleotide position 4931. The arginine at codon 1644 is replaced by proline, an amino acid with dissimilar properties. This amino acid position is conserved. In addition, the in silico prediction for this alteration is inconclusive. Based on the available evidence, the clinical significance of this variant remains unclear.

NM_020937.4(FANCM):c.4931G>C (p.Arg1644Pro)

Gene: FANCM (FA complementation group M; plus strand). Cytogenetic location: 14q21.2.
Variant type: single nucleotide variant.
Coding change: c.4931G>C on transcript NM_020937.4 (MANE Select); coding-DNA position 4931, G replaced by C.
Protein change: p.Arg1644Pro; replaces arginine 1644 with proline.
Molecular consequence: missense variant.
Genome position (GRCh38, 1-based): chr14:45,188,953, G>C. VCF-style: chr14-45188953-G-C. GRCh37 (hg19) VCF-style: chr14-45658156-G-C.
Other names: c.4853G>C, p.Arg1618Pro (NM_001308133.2); short protein forms R1644P, R1618P.
Identifiers: ClinVar variation 4619610 (VCV004619610.1).
Genomic context (GRCh38, chr14:45,188,953, plus strand): 5'-GTGTTGATTTTAACTTAATAACTGATGATTGCTTTGCAAATAGTAAAAAGTATAAAACTC[G>C]ACGTGCAGTAATGCTAAAAGAAATGATGGAACAAAATTGTGCACATTCAAAAAAGAAATT-3'
Protein context (NP_065988.1, residues 1634-1654): CFANSKKYKT[Arg1644Pro]RAVMLKEMME